The following is an entry in ClinVar:

ClinVar aggregate classification (germline): Uncertain significance (1 of 4 stars; one submission).

Allele frequency attached by ClinVar (database versions not stated): gnomAD exomes below 0.00001; TOPMed below 0.00001.
gnomAD v4.1: 3 of 1,613,982 alleles (0.00019%); highest among the groups gnomAD compares: Non-Finnish European, 0.00025%; no homozygotes.

Submission:

Labcorp Genetics (formerly Invitae), Labcorp
Classification: Uncertain significance. Last evaluated: 2024-11-27. Review status: criteria provided, single submitter. Criteria: Invitae Variant Classification Sherloc (09022015). Collection method: clinical testing. Allele origin: germline.
Comment: This sequence change replaces glycine, which is neutral and non-polar, with serine, which is neutral and polar, at codon 735 of the CSF2RB protein (p.Gly735Ser). This variant is not present in population databases (gnomAD no frequency). This variant has not been reported in the literature in individuals affected with CSF2RB-related conditions. ClinVar contains an entry for this variant (Variation ID: 2714600). Invitae Evidence Modeling of protein sequence and biophysical properties (such as structural, functional, and spatial information, amino acid conservation, physicochemical variation, residue mobility, and thermodynamic stability) indicates that this missense variant is not expected to disrupt CSF2RB protein function with a negative predictive value of 80%. In summary, the available evidence is currently insufficient to determine the role of this variant in disease. Therefore, it has been classified as a Variant of Uncertain Significance.

NM_000395.3(CSF2RB):c.2203G>A (p.Gly735Ser)

Gene: CSF2RB (colony stimulating factor 2 receptor subunit beta; plus strand). Cytogenetic location: 22q12.3.
Variant type: single nucleotide variant.
Coding change: c.2203G>A on transcript NM_000395.3 (MANE Select); coding-DNA position 2203, G replaced by A.
Protein change: p.Gly735Ser; replaces glycine 735 with serine.
Molecular consequence: missense variant.
Genome position (GRCh38, 1-based): chr22:36,938,011, G>A. VCF-style: chr22-36938011-G-A. GRCh37 (hg19) VCF-style: chr22-37334053-G-A.
Other names: c.2221G>A, p.Gly741Ser (NM_001410827.1); short protein forms G735S, G741S.
Identifiers: ClinVar variation 2714600 (VCV002714600.3), dbSNP rs1941309282, ClinGen allele CA411411031.